The following is an entry in ClinVar:

ClinVar aggregate classification (germline): Uncertain significance (1 of 4 stars; one submission).

Conditions:
Werner syndrome (WRN). Identifiers: Orphanet 902, MedGen C0043119, MONDO:0010196, OMIM 277700.

Allele frequency attached by ClinVar (database versions not stated): TOPMed below 0.00001.
gnomAD v4.1: 3 of 1,613,138 alleles (0.00019%); highest among the groups gnomAD compares: African/African-American, 0.004%; no homozygotes.

Submission:

Labcorp Genetics (formerly Invitae), Labcorp
Classification: Uncertain significance for Werner syndrome. Last evaluated: 2022-08-12. Review status: criteria provided, single submitter. Criteria: Invitae Variant Classification Sherloc (09022015). Collection method: clinical testing. Allele origin: germline.
Comment: Algorithms developed to predict the effect of missense changes on protein structure and function are either unavailable or do not agree on the potential impact of this missense change (SIFT: "Not Available"; PolyPhen-2: "Benign"; Align-GVGD: "Not Available"). In summary, the available evidence is currently insufficient to determine the role of this variant in disease. Therefore, it has been classified as a Variant of Uncertain Significance. ClinVar contains an entry for this variant (Variation ID: 1478023). This sequence change replaces glutamic acid, which is acidic and polar, with aspartic acid, which is acidic and polar, at codon 1380 of the WRN protein (p.Glu1380Asp). This variant is not present in population databases (gnomAD no frequency). This variant has not been reported in the literature in individuals affected with WRN-related conditions.

NM_000553.6(WRN):c.4140G>T (p.Glu1380Asp)

Gene: WRN (WRN RecQ like helicase; plus strand). Cytogenetic location: 8p12.
Variant type: single nucleotide variant.
Coding change: c.4140G>T on transcript NM_000553.6 (MANE Select); coding-DNA position 4140, G replaced by T.
Protein change: p.Glu1380Asp; replaces glutamic acid 1380 with aspartic acid.
Molecular consequence: missense variant.
Genome position (GRCh38, 1-based): chr8:31,167,179, G>T. VCF-style: chr8-31167179-G-T. GRCh37 (hg19) VCF-style: chr8-31024695-G-T.
Other names: short protein forms E1380D.
Identifiers: ClinVar variation 1478023 (VCV001478023.6), dbSNP rs776270050, ClinGen allele CA370909834.